The following is an entry in ClinVar:

ClinVar aggregate classification (germline): Conflicting classifications of pathogenicity. Review status: criteria provided, conflicting classifications (1 of 4 stars). 5 submissions from 5 submitters: Likely pathogenic (3); Uncertain significance (2). Last evaluated 2025-08-27.

Conditions:
Seizures, benign familial infantile, 2 (BFIS2). Also called: CONVULSIONS, BENIGN FAMILIAL INFANTILE, 2. Identifiers: Orphanet 306, MedGen C1853995, MONDO:0011593, OMIM 605751.
Episodic kinesigenic dyskinesia (EKD). Also called: Paroxysmal kinesigenic dyskinesia. Identifiers: Orphanet 98809, MedGen C1868682, MONDO:0044202.

Allele frequency attached by ClinVar (database versions not stated): gnomAD 0.00001.
gnomAD v4.1: 15 of 1,609,314 alleles (0.00093%); highest among the groups gnomAD compares: East Asian, 0.0045%; no homozygotes.

Submissions (5):

GeneDx
Classification: Uncertain significance. Last evaluated: 2025-08-27. Review status: criteria provided, single submitter. Criteria: GeneDx Variant Classification Process June 2021. Collection method: clinical testing. Allele origin: germline.
Comment: In silico analysis suggests that this missense variant does not alter protein structure/function; This variant is associated with the following publications: (PMID: 32392383, 37271286, 32346475, 38250317, 37170076, 34298454)

Labcorp Genetics (formerly Invitae), Labcorp
Classification: Likely pathogenic for Episodic kinesigenic dyskinesia. Last evaluated: 2025-06-01. Review status: criteria provided, single submitter. Criteria: Invitae Variant Classification Sherloc (09022015). Collection method: clinical testing. Allele origin: germline.
Comment: This sequence change replaces valine, which is neutral and non-polar, with leucine, which is neutral and non-polar, at codon 319 of the PRRT2 protein (p.Val319Leu). The frequency data for this variant in the population databases is considered unreliable, as metrics indicate poor data quality at this position in the gnomAD database. This missense change has been observed in individual(s) with clinical features of PRRT2-related conditions (PMID: 32346475, 34298454, 37170076; internal data). In at least one individual the variant was observed to be de novo. ClinVar contains an entry for this variant (Variation ID: 1485344). Invitae Evidence Modeling of protein sequence and biophysical properties (such as structural, functional, and spatial information, amino acid conservation, physicochemical variation, residue mobility, and thermodynamic stability) has been performed for this missense variant. However, the output from this modeling did not meet the statistical confidence thresholds required to predict the impact of this variant on PRRT2 protein function. Experimental studies have shown that this missense change does not substantially affect PRRT2 function (PMID: 37271286). In summary, the currently available evidence indicates that the variant is pathogenic, but additional data are needed to prove that conclusively. Therefore, this variant has been classified as Likely Pathogenic.

Institute of Human Genetics, University of Leipzig Medical Center
Classification: Likely pathogenic for Seizures, benign familial infantile, 2. Last evaluated: 2025-04-22. Review status: criteria provided, single submitter. Criteria: ACMG Guidelines, 2015. Collection method: clinical testing. Allele origin: unknown. Inheritance: Autosomal dominant inheritance. Affected: yes.
Comment: Criteria applied: PS2_MOD,PS4_MOD,PM1,PP3

Blueprint Genetics
Classification: Uncertain significance. Last evaluated: 2022-03-21. Review status: criteria provided, single submitter. Criteria: ACMG Guidelines, 2015. Collection method: clinical testing. Allele origin: germline.

Victorian Clinical Genetics Services, Murdoch Childrens Research Institute
Classification: Likely pathogenic for Seizures, benign familial infantile, 2. Last evaluated: 2022-02-02. Review status: criteria provided, single submitter. Criteria: ACMG Guidelines, 2015. Collection method: clinical testing. Allele origin: germline. Inheritance: Autosomal dominant inheritance. Affected: yes.
Comment: Based on the classification scheme VCGS_Germline_v1.3.4, this variant is classified as Likely Pathogenic. Following criteria are met: 0102 - Loss of function is a known mechanism of disease in this gene and is associated with familial infantile convulsions, with paroxysmal choreoathetosis (MIM#602066), episodic kinesigenic dyskinesia 1 (MIM#128200) and benign familial infantile seizures (MIM#605751). (I) 0107 - This gene is associated with autosomal dominant disease. (I) 0112 - The condition associated with this gene has incomplete penetrance, specifically for paroxysmal kinesigenic dyskinesia (MIM#602066) (GeneReviews). (I) 0115 - Variants in this gene are known to have variable expressivity. Intra-familial variability has been reported (GeneReviews). (I) 0200 - Variant is predicted to result in a missense amino acid change from valine to leucine. (I) 0251 - This variant is heterozygous. (I) 0302 - Variant is present in gnomAD <0.001 for a dominant condition (v2: 4 heterozygotes, 0 homozygotes). (SP) 0502 - Missense variant with conflicting in silico predictions and uninformative conservation. (I) 0600 - Variant is located in the annotated TM2 domain (PMID: 27624551). (I) 0705 - No comparable missense variants have previous evidence for pathogenicity. (I) 0802 - This variant has moderate previous evidence of pathogenicity in unrelated individuals. It has been identified in two individuals with paroxysmal kinesigenic dyskinesia (MIM#602066), one of whom was a de novo event; and one individual with self-limited familial infantile epilepsy (MIM#605751) (PMID: 32346475, 34298454). (SP) 0906 - Segregation evidence for this variant is inconclusive. It has been reported in a family of two affected individuals with self-limited familial infantile epilepsy (MIM#605751) (PMID: 34298454). (I) 1007 - No published functional evidence has been identified for this variant. (I) Legend: (SP) - Supporting pathogenic, (I) - Information, (SB) - Supporting benign

Literature cited by the submitters: PubMed 32346475 (cited by Labcorp Genetics (formerly Invitae), Labcorp and Victorian Clinical Genetics Services, Murdoch Childrens Research Institute); PubMed 34298454 (cited by Labcorp Genetics (formerly Invitae), Labcorp and Victorian Clinical Genetics Services, Murdoch Childrens Research Institute); PubMed 37170076 (cited by Labcorp Genetics (formerly Invitae), Labcorp); PubMed 37271286 (cited by Labcorp Genetics (formerly Invitae), Labcorp); PubMed 27624551 (cited by Victorian Clinical Genetics Services, Murdoch Childrens Research Institute).

NM_145239.3(PRRT2):c.955G>T (p.Val319Leu)

Genes: MVP-DT (MVP divergent transcript; minus strand), PRRT2 (proline rich transmembrane protein 2; plus strand). Cytogenetic location: 16p11.2.
Variant type: single nucleotide variant.
Coding change: c.955G>T on transcript NM_145239.3 (MANE Select); coding-DNA position 955, G replaced by T.
Protein change: p.Val319Leu; replaces valine 319 with leucine.
Molecular consequence: missense variant. On other transcripts: 3 prime UTR variant (1).
Genome position (GRCh38, 1-based): chr16:29,814,408, G>T. VCF-style: chr16-29814408-G-T. GRCh37 (hg19) VCF-style: chr16-29825729-G-T.
Other names: c.955G>T, p.Val319Leu (NM_001256442.2); c.*454G>T (NM_001256443.2); short protein forms V319L.
Identifiers: ClinVar variation 1485344 (VCV001485344.13), dbSNP rs945627261, ClinGen allele CA395480697.